The following is an entry in ClinVar:

NM_000059.4(BRCA2):c.5708TTC[1] (p.Leu1904del)

Gene: BRCA2 (BRCA2 DNA repair associated; plus strand). Cytogenetic location: 13q13.1.
Variant type: Microsatellite.
Coding change: c.5708TTC[1] on transcript NM_000059.4 (MANE Select); one copy of the 3-base unit TTC starting at c.5708; the reference has two copies in a row; one copy, 3 bases deleted.
Protein change: p.Leu1904del; deletes leucine 1904.
Molecular consequence: inframe deletion. On other transcripts: inframe indel (4).
Genome position (GRCh38, 1-based): chr13:32,340,066-32,340,068, TTC deleted; deleting any 3 consecutive bases within chr13:32,340,063-32,340,068 gives the same sequence; the position shown is the placement nearest the transcript's 3' end. VCF-style (leftmost placement, unchanged base first): chr13-32340062-ATTC-A. GRCh37 (hg19) VCF-style: chr13-32914199-ATTC-A.
Other names: c.5708_5710TTC[1], p.Leu1904del (NM_000059.3, NM_001406719.1, NM_001406720.1); c.5711_5713delTTC (NM_000059.3); short protein forms L1904del.
Identifiers: ClinVar variation 1749245 (VCV001749245.7), dbSNP rs2548531544, ClinGen allele CA2580614691.
Genomic context (GRCh38, chr13:32,340,062, plus strand): 5'-AAAATTTGCCAAACGAAAATTATGGCAGGTTGTTACGAGGCATTGGATGATTCAGAGGAT[ATTC>A]TTCATAACTCTCTAGATAATGATGAATGTAGCACGCATTCACATAAGGTTTTTGCTGACA-3'

ClinVar aggregate classification (germline): Uncertain significance. Review status: criteria provided, multiple submitters, no conflicts (2 of 4 stars). 2 submissions from 2 submitters: Uncertain significance (2). Last evaluated 2022-05-24.

Conditions:
Hereditary cancer-predisposing syndrome. Also called: Hereditary Cancer Syndrome; Hereditary neoplastic syndrome; Neoplastic Syndromes, Hereditary; Tumor predisposition. Identifiers: Orphanet 140162, MedGen C0027672, MeSH D009386, MONDO:0015356.
Hereditary breast ovarian cancer syndrome. Also called: Hereditary breast and ovarian cancer; BRCA1- and BRCA2-Associated Hereditary Breast and Ovarian Cancer; Hereditary breast and ovarian cancer syndrome (HBOC); Hereditary breast and ovarian cancer syndrome; Breast and ovarian cancer; Hereditary breast and/or ovarian cancer syndrome. Identifiers: Orphanet 145, MedGen C0677776, MeSH D061325, MONDO:0003582. Disease mechanism: loss of function.

Submissions (2):

Labcorp Genetics (formerly Invitae), Labcorp
Classification: Uncertain significance for Hereditary breast ovarian cancer syndrome. Last evaluated: 2022-05-24. Review status: criteria provided, single submitter. Criteria: Invitae Variant Classification Sherloc (09022015). Collection method: clinical testing. Allele origin: germline.
Comment: This variant, c.5711_5713del, results in the deletion of 1 amino acid(s) of the BRCA2 protein (p.Leu1904del), but otherwise preserves the integrity of the reading frame. This variant is not present in population databases (gnomAD no frequency). This variant has not been reported in the literature in individuals affected with BRCA2-related conditions. In summary, the available evidence is currently insufficient to determine the role of this variant in disease. Therefore, it has been classified as a Variant of Uncertain Significance. Experimental studies and prediction algorithms are not available or were not evaluated, and the functional significance of this variant is currently unknown.

Ambry Genetics
Classification: Uncertain significance for Hereditary cancer-predisposing syndrome. Last evaluated: 2021-09-20. Review status: criteria provided, single submitter. Criteria: Ambry Variant Classification Scheme 2023. Collection method: clinical testing. Allele origin: germline.
Comment: The c.5711_5713delTTC variant (also known as p.L1904del) is located in coding exon 10 of the BRCA2 gene. This variant results from an in-frame TTC deletion at nucleotide positions 5711 to 5713. This results in the in-frame deletion of a leucine at codon 1904. This amino acid position is not well conserved in available vertebrate species. In addition, the in silico prediction for this alteration is inconclusive (Choi Y et al. PLoS ONE. 2012; 7(10):e46688). Since supporting evidence is limited at this time, the clinical significance of this alteration remains unclear.